The following is an entry in ClinVar:

NM_000138.5(FBN1):c.6998-2A>T

Gene: FBN1 (fibrillin 1; minus strand). Cytogenetic location: 15q21.1.
Variant type: single nucleotide variant.
Coding change: c.6998-2A>T on transcript NM_000138.5 (MANE Select); the canonical splice acceptor site of the intron before coding-DNA position 6998, A replaced by T.
Molecular consequence: splice acceptor variant.
Genome position (GRCh38, 1-based): chr15:48,427,775, T>A on the plus strand (A>T on the coding strand, the complement: FBN1 is on the minus strand). VCF-style: chr15-48427775-T-A. GRCh37 (hg19) VCF-style: chr15-48719972-T-A.
Other names: c.6998-2A>T (NM_001406716.1).
Identifiers: ClinVar variation 527142 (VCV000527142.10), dbSNP rs1555394585, ClinGen allele CA392330377.

ClinVar aggregate classification (germline): Pathogenic. Review status: criteria provided, multiple submitters, no conflicts (2 of 4 stars). 2 submissions from 2 submitters: Pathogenic (2). Last evaluated 2025-07-10.

Conditions:
Familial thoracic aortic aneurysm and aortic dissection (TAAD). Also called: Thoracic aortic aneurysms and dissections. Identifiers: Orphanet 91387, MedGen C4707243, MONDO:0019625.
Marfan syndrome (MFS). Also called: Marfan syndrome type 1; Marfan syndrome, classic; Marfan's syndrome; FBN1-Related Marfan Syndrome; MARFAN SYNDROME, TYPE I. Identifiers: Orphanet 284963, Orphanet 558, MedGen C0024796, MONDO:0007947, OMIM 154700.
FBN1-related disorder. Also called: FBN1-related disorders.

Submissions (2):

PreventionGenetics, part of Exact Sciences
Classification: Pathogenic for FBN1-related condition. Last evaluated: 2025-07-10. Review status: criteria provided, single submitter. Criteria: ACMG Guidelines, 2015. Collection method: clinical testing. Allele origin: germline.
Comment: The FBN1 c.6998-2A>T variant is predicted to disrupt the AG splice acceptor site and interfere with normal splicing. To our knowledge, this variant has not been reported in the literature or in a large population database (gnomAD), indicating this variant is rare. Alternate nucleotide changes at the same genomic position (c.6998-2A>C and c.6998-2A>G) have been reported in individuals with Marfan syndrome (Howarth et al. 2007. PubMed ID: 17627385; Figure 2, Chen et al. 2022. PubMed ID: 34818515). Variants that disrupt the consensus splice acceptor site in FBN1 are expected to be pathogenic. This variant is interpreted as pathogenic.

Labcorp Genetics (formerly Invitae), Labcorp
Classification: Pathogenic for Marfan syndrome; Familial thoracic aortic aneurysm and aortic dissection. Last evaluated: 2021-02-28. Review status: criteria provided, single submitter. Criteria: Invitae Variant Classification Sherloc (09022015). Collection method: clinical testing. Allele origin: germline.
Comment: Donor and acceptor splice site variants typically lead to a loss of protein function (PMID: 16199547), and loss-of-function variants in FBN1 are known to be pathogenic (PMID: 17657824, 19293843). This sequence change affects an acceptor splice site in intron 57 of the FBN1 gene. It is expected to disrupt RNA splicing and likely results in an absent or disrupted protein product. This variant is not present in population databases (ExAC no frequency). This variant has not been reported in the literature in individuals with FBN1-related disease. Algorithms developed to predict the effect of sequence changes on RNA splicing suggest that this variant may disrupt the consensus splice site, but this prediction has not been confirmed by published transcriptional studies. Two different variant affecting this nucleotide (c.6998-2A>C and c.6998-2A>G) have been determined to be pathogenic (PMID: 17627385, 12161601). This suggests that this nucleotide is important for normal RNA splicing, and that other variants at this position may also be pathogenic. For these reasons, this variant has been classified as Pathogenic.

Literature cited by the submitters: PubMed 16199547 (cited by Labcorp Genetics (formerly Invitae), Labcorp); PubMed 17657824 (cited by Labcorp Genetics (formerly Invitae), Labcorp); PubMed 19293843 (cited by Labcorp Genetics (formerly Invitae), Labcorp); PubMed 17627385 (cited by Labcorp Genetics (formerly Invitae), Labcorp); PubMed 12161601 (cited by Labcorp Genetics (formerly Invitae), Labcorp).